The following is an entry in ClinVar:

ClinVar aggregate classification (germline): Conflicting classifications of pathogenicity. Review status: criteria provided, conflicting classifications (1 of 4 stars). 2 submissions from 2 submitters: Uncertain significance (1); Likely benign (1). Last evaluated 2026-04-15.

Conditions:
KIF4A-related disorder. Also called: KIF4A-related condition.

gnomAD v4.1: 32 of 1,209,639 alleles (0.0026%); highest among the groups gnomAD compares: Non-Finnish European, 0.0035%; no homozygotes.

Submissions (2):

PreventionGenetics, part of Exact Sciences
Classification: Likely benign for KIF4A-related condition. Last evaluated: 2026-04-15. Review status: criteria provided, single submitter. Criteria: ACMG Guidelines, 2015. Collection method: clinical testing. Allele origin: germline.
Comment: This variant is classified as likely benign based on ACMG/AMP sequence variant interpretation guidelines (Richards et al. 2015 PMID: 25741868, with internal and published modifications).

Ambry Genetics
Classification: Uncertain significance. Last evaluated: 2025-06-29. Review status: criteria provided, single submitter. Criteria: Ambry Variant Classification Scheme 2023. Collection method: clinical testing. Allele origin: germline.

NM_012310.5(KIF4A):c.692G>A (p.Ser231Asn)

Gene: KIF4A (kinesin family member 4A; plus strand). Cytogenetic location: Xq13.1.
Variant type: single nucleotide variant.
Coding change: c.692G>A on transcript NM_012310.5 (MANE Select); coding-DNA position 692, G replaced by A.
Protein change: p.Ser231Asn; replaces serine 231 with asparagine.
Molecular consequence: missense variant.
Genome position (GRCh38, 1-based): chrX:70,302,312, G>A. VCF-style: chrX-70302312-G-A. GRCh37 (hg19) VCF-style: chrX-69522162-G-A.
Other names: short protein forms S231N.
Identifiers: ClinVar variation 4092842 (VCV004092842.2).